The following is an entry in ClinVar:

NM_005751.5(AKAP9):c.2113T>G (p.Leu705Val)

Gene: AKAP9 (A-kinase anchoring protein 9; plus strand). Cytogenetic location: 7q21.2.
Variant type: single nucleotide variant.
Coding change: c.2113T>G on transcript NM_005751.5 (MANE Select); coding-DNA position 2113, T replaced by G.
Protein change: p.Leu705Val; replaces leucine 705 with valine.
Molecular consequence: missense variant.
Genome position (GRCh38, 1-based): chr7:92,002,030, T>G. VCF-style: chr7-92002030-T-G. GRCh37 (hg19) VCF-style: chr7-91631344-T-G.
Other names: c.2113T>G, p.Leu705Val (NM_147185.3); short protein forms L705V.
Identifiers: ClinVar variation 526965 (VCV000526965.14), dbSNP rs750905383, ClinGen allele CA4336093.

ClinVar aggregate classification (germline): Uncertain significance. Review status: criteria provided, multiple submitters, no conflicts (2 of 4 stars). 4 submissions from 4 submitters: Uncertain significance (4). Last evaluated 2025-10-29.

Conditions:
Cardiovascular phenotype. Identifiers: MedGen CN230736.
Long QT syndrome 11 (LQT11). Identifiers: Orphanet 101016, Orphanet 768, MedGen C2678483, MONDO:0012738, OMIM 611820.
AKAP9-related disorder. Also called: AKAP9-related condition.
Long QT syndrome (LQTS). Identifiers: MedGen C0023976, MeSH D008133, MONDO:0002442. Disease mechanism: loss of function. Inheritance: Various modes of inheritance.

Allele frequency attached by ClinVar (database versions not stated): gnomAD exomes 0.00001 and 0.00002; ExAC 0.00002; gnomAD 0.00003 and 0.00004; TOPMed 0.00003.
gnomAD v4.1: 16 of 1,609,004 alleles (0.00099%); highest among the groups gnomAD compares: Non-Finnish European, 0.0012%; no homozygotes.

Submissions (4):

Labcorp Genetics (formerly Invitae), Labcorp
Classification: Uncertain significance for Long QT syndrome. Last evaluated: 2025-10-29. Review status: criteria provided, single submitter. Criteria: Invitae Variant Classification Sherloc (09022015). Collection method: clinical testing. Allele origin: germline.
Comment: This sequence change replaces leucine, which is neutral and non-polar, with valine, which is neutral and non-polar, at codon 705 of the AKAP9 protein (p.Leu705Val). The frequency data for this variant in the population databases is considered unreliable, as metrics indicate poor data quality at this position in the gnomAD database. This missense change has been observed in individual(s) with long QT syndrome (PMID: 23174487). ClinVar contains an entry for this variant (Variation ID: 526965). An algorithm developed to predict the effect of missense changes on protein structure and function outputs the following: PolyPhen-2: "Benign". The valine amino acid residue is found in multiple mammalian species, which suggests that this missense change does not adversely affect protein function. In summary, the available evidence is currently insufficient to determine the role of this variant in disease. Therefore, it has been classified as a Variant of Uncertain Significance.

Ambry Genetics
Classification: Uncertain significance for Cardiovascular phenotype. Last evaluated: 2024-05-11. Review status: criteria provided, single submitter. Criteria: Ambry Variant Classification Scheme 2023. Collection method: clinical testing. Allele origin: germline.
Comment: The p.L705V variant (also known as c.2113T>G), located in coding exon 8 of the AKAP9 gene, results from a T to G substitution at nucleotide position 2113. The leucine at codon 705 is replaced by valine, an amino acid with highly similar properties. This variant has been detected in a long QT syndrome cohort; however, clinical details were limited (Mullally J et al. Heart Rhythm, 2013 Mar;10:378-82). This amino acid position is well conserved in available vertebrate species; however, valine is the reference amino acid in other vertebrate species. In addition, this alteration is predicted to be tolerated by in silico analysis. Since supporting evidence is limited at this time, the clinical significance of this alteration remains unclear.

PreventionGenetics, part of Exact Sciences
Classification: Uncertain significance for AKAP9-related condition. Last evaluated: 2023-08-17. Review status: criteria provided, single submitter. Criteria: ACMG Guidelines, 2015. Collection method: clinical testing. Allele origin: germline.
Comment: The AKAP9 c.2113T>G variant is predicted to result in the amino acid substitution p.Leu705Val. This variant was reported in a cohort of individuals with long QT syndrome; however, detailed clinical information was not available (supplementary material, Mullally et al. 2013. PubMed ID: 23174487). This variant is reported in 0.0032% of alleles in individuals of European (Non-Finnish) descent in gnomAD. At this time, the clinical significance of this variant is uncertain due to the absence of conclusive functional and genetic evidence.

Fulgent Genetics
Classification: Uncertain significance for Long QT syndrome 11. Last evaluated: 2021-09-12. Review status: criteria provided, single submitter. Criteria: ACMG Guidelines, 2015. Collection method: clinical testing. Allele origin: unknown.

Literature cited by the submitters: PubMed 23174487 (cited by Labcorp Genetics (formerly Invitae), Labcorp and Ambry Genetics).